The following is an entry in ClinVar:

NM_138796.4(SPATA17):c.158+3A>G

Gene: SPATA17 (spermatogenesis associated 17; plus strand). Cytogenetic location: 1q41.
Variant type: single nucleotide variant.
Coding change: c.158+3A>G on transcript NM_138796.4 (MANE Select); 3 bases into the intron after coding-DNA position 158, A replaced by G.
Molecular consequence: intron variant.
Genome position (GRCh38, 1-based): chr1:217,648,974, A>G. VCF-style: chr1-217648974-A-G. GRCh37 (hg19) VCF-style: chr1-217822316-A-G.
Other names: c.158+3A>G (NM_001375655.1).
Identifiers: ClinVar variation 2639901 (VCV002639901.24), dbSNP rs200843925, ClinGen allele CA1397718.

ClinVar aggregate classification (germline): Likely benign (1 of 4 stars; one submission).

Allele frequency attached by ClinVar (database versions not stated): gnomAD exomes 0.00034; ExAC 0.00099; 1000 Genomes Project 0.00220; ESP Exome Variant Server 0.00254; 1000 Genomes Project 30x 0.00265; gnomAD 0.00273; TOPMed 0.00278.
gnomAD v4.1: 931 of 1,596,494 alleles (0.058%); highest among the groups gnomAD compares: African/African-American, 0.93%; 4 homozygotes.

Submission:

CeGaT Center for Human Genetics Tuebingen
Classification: Likely benign. Last evaluated: 2023-04-01. Review status: criteria provided, single submitter. Criteria: CeGaT Center For Human Genetics Tuebingen Variant Classification Criteria Version 2. Collection method: clinical testing. Allele origin: germline. Affected: yes. Observed: 1 variant allele.
Comment: SPATA17: BS2